The following is an entry in ClinVar:

NM_005633.4(SOS1):c.3773C>G (p.Pro1258Arg)

Gene: SOS1 (SOS Ras/Rac guanine nucleotide exchange factor 1; minus strand). Cytogenetic location: 2p22.1.
Variant type: single nucleotide variant.
Coding change: c.3773C>G on transcript NM_005633.4 (MANE Select); coding-DNA position 3773, C replaced by G.
Protein change: p.Pro1258Arg; replaces proline 1258 with arginine.
Molecular consequence: missense variant.
Genome position (GRCh38, 1-based): chr2:38,986,053, G>C on the plus strand (C>G on the coding strand, the complement: SOS1 is on the minus strand). VCF-style: chr2-38986053-G-C. GRCh37 (hg19) VCF-style: chr2-39213194-G-C.
Other names: c.3752C>G, p.Pro1251Arg (NM_001382394.1); c.3728C>G, p.Pro1243Arg (NM_001382395.1); short protein forms P1243R, P1251R, P1258R.
Identifiers: ClinVar variation 1734777 (VCV001734777.3), dbSNP rs140991871, ClinGen allele CA45674034.

ClinVar aggregate classification (germline): Conflicting classifications of pathogenicity. Review status: criteria provided, conflicting classifications (1 of 4 stars). 2 submissions from 2 submitters: Uncertain significance (1); Benign (1). Last evaluated 2025-03-22.

Conditions:
Cardiovascular phenotype. Identifiers: MedGen CN230736.
RASopathy. Also called: rasopathies; Noonan spectrum disorder. Identifiers: Orphanet 536391, MedGen C5555857, MONDO:0021060.

Allele frequency attached by ClinVar (database versions not stated): gnomAD 0.00001; TOPMed 0.00001; ESP Exome Variant Server 0.00008.
gnomAD v4.1: 1 of 1,613,756 alleles (0.000062%); highest among the groups gnomAD compares: African/African-American, 0.0013%; no homozygotes.

Submissions (2):

Labcorp Genetics (formerly Invitae), Labcorp
Classification: Benign for RASopathy. Last evaluated: 2025-03-22. Review status: criteria provided, single submitter. Criteria: Invitae Variant Classification Sherloc (09022015). Collection method: clinical testing. Allele origin: germline.

Ambry Genetics
Classification: Uncertain significance for Cardiovascular phenotype. Last evaluated: 2022-06-02. Review status: criteria provided, single submitter. Criteria: Ambry Variant Classification Scheme 2023. Collection method: clinical testing. Allele origin: germline.
Comment: The p.P1258R variant (also known as c.3773C>G), located in coding exon 23 of the SOS1 gene, results from a C to G substitution at nucleotide position 3773. The proline at codon 1258 is replaced by arginine, an amino acid with dissimilar properties. This amino acid position is conserved. In addition, the in silico prediction for this alteration is inconclusive. Since supporting evidence is limited at this time, the clinical significance of this alteration remains unclear.